The following is an entry in ClinVar:

NM_006258.4(PRKG1):c.700G>T (p.Val234Phe)

Gene: PRKG1 (protein kinase cGMP-dependent 1; plus strand). Cytogenetic location: 10q21.1.
Variant type: single nucleotide variant.
Coding change: c.700G>T on transcript NM_006258.4 (MANE Select); coding-DNA position 700, G replaced by T.
Protein change: p.Val234Phe; replaces valine 234 with phenylalanine.
Molecular consequence: missense variant.
Genome position (GRCh38, 1-based): chr10:51,907,508, G>T. VCF-style: chr10-51907508-G-T. GRCh37 (hg19) VCF-style: chr10-53667268-G-T.
Other names: c.655G>T, p.Val219Phe (NM_001098512.3); c.700G>T, p.Val234Phe (NM_001374782.1); short protein forms V219F, V234F.
Identifiers: ClinVar variation 1943191 (VCV001943191.2), dbSNP rs368571406, ClinGen allele CA5503592.

ClinVar aggregate classification (germline): Uncertain significance (1 of 4 stars; one submission).

Conditions:
Aortic aneurysm, familial thoracic 8 (AAT8). Identifiers: MedGen C3809513, MONDO:0014187, OMIM 615436.

Allele frequency attached by ClinVar (database versions not stated): ESP Exome Variant Server 0.00008.
gnomAD v4.1: 2 of 1,612,280 alleles (0.00012%); highest among the groups gnomAD compares: Non-Finnish European, 0.00017%; no homozygotes.

Submission:

Labcorp Genetics (formerly Invitae), Labcorp
Classification: Uncertain significance for Aortic aneurysm, familial thoracic 8. Last evaluated: 2021-08-31. Review status: criteria provided, single submitter. Criteria: Invitae Variant Classification Sherloc (09022015). Collection method: clinical testing. Allele origin: germline.
Comment: This sequence change replaces valine with phenylalanine at codon 234 of the PRKG1 protein (p.Val234Phe). The valine residue is moderately conserved and there is a small physicochemical difference between valine and phenylalanine. This variant is present in population databases (rs368571406, ExAC 0.001%). This variant has not been reported in the literature in individuals affected with PRKG1-related conditions. Algorithms developed to predict the effect of missense changes on protein structure and function are either unavailable or do not agree on the potential impact of this missense change (SIFT: "Deleterious"; PolyPhen-2: "Probably Damaging"; Align-GVGD: "Class C0"). In summary, the available evidence is currently insufficient to determine the role of this variant in disease. Therefore, it has been classified as a Variant of Uncertain Significance.